The following is an entry in ClinVar:

ClinVar aggregate classification (germline): Conflicting classifications of pathogenicity. Review status: criteria provided, conflicting classifications (1 of 4 stars). 3 submissions from 3 submitters: Uncertain significance (2); Benign (1). Last evaluated 2025-12-15.

Conditions:
Inborn genetic diseases. Identifiers: MedGen C0950123, MeSH D030342.
Bethlem myopathy 1A. Also called: MYOPATHY, BENIGN CONGENITAL, WITH CONTRACTURES; Bethlem myopathy 1; Bethlem Muscular Dystrophy. Identifiers: Orphanet 610, MedGen CN029274, MONDO:0024530, OMIM 158810.

Allele frequency attached by ClinVar (database versions not stated): TOPMed 0.00003; gnomAD 0.00005 and 0.00006.
gnomAD v4.1: 7 of 1,613,988 alleles (0.00043%); highest among the groups gnomAD compares: African/African-American, 0.0093%; no homozygotes.

Submissions (3):

Labcorp Genetics (formerly Invitae), Labcorp
Classification: Benign for Bethlem myopathy 1A. Last evaluated: 2025-12-15. Review status: criteria provided, single submitter. Criteria: Invitae Variant Classification Sherloc (09022015). Collection method: clinical testing. Allele origin: germline.

Ambry Genetics
Classification: Uncertain significance for Inborn genetic diseases. Last evaluated: 2025-02-28. Review status: criteria provided, single submitter. Criteria: Ambry Variant Classification Scheme 2023. Collection method: clinical testing. Allele origin: germline.

GeneDx
Classification: Uncertain significance. Last evaluated: 2025-02-27. Review status: criteria provided, single submitter. Criteria: GeneDx Variant Classification Process June 2021. Collection method: clinical testing. Allele origin: germline. Affected: yes.
Comment: In silico analysis supports that this missense variant has a deleterious effect on protein structure/function; Has not been previously published as pathogenic or benign to our knowledge

NM_004369.4(COL6A3):c.1420A>G (p.Arg474Gly)

Gene: COL6A3 (collagen type VI alpha 3 chain; minus strand). Cytogenetic location: 2q37.3.
Variant type: single nucleotide variant.
Coding change: c.1420A>G on transcript NM_004369.4 (MANE Select); coding-DNA position 1420, A replaced by G.
Protein change: p.Arg474Gly; replaces arginine 474 with glycine.
Molecular consequence: missense variant.
Genome position (GRCh38, 1-based): chr2:237,381,392, T>C on the plus strand (A>G on the coding strand, the complement: COL6A3 is on the minus strand). VCF-style: chr2-237381392-T-C. GRCh37 (hg19) VCF-style: chr2-238290035-T-C.
Other names: c.199A>G, p.Arg67Gly (NM_057164.5, NM_057166.5); c.802A>G, p.Arg268Gly (NM_057165.5, NM_057167.4); short protein forms R67G, R268G, R474G.
Identifiers: ClinVar variation 862016 (VCV000862016.12), dbSNP rs928706699, ClinGen allele CA67830825.